The following is an entry in ClinVar:

NM_000091.5(COL4A3):c.539G>A (p.Gly180Glu)

Genes: COL4A3 (collagen type IV alpha 3 chain; plus strand), MFF-DT (MFF divergent transcript; minus strand). Cytogenetic location: 2q36.3.
Variant type: single nucleotide variant.
Coding change: c.539G>A on transcript NM_000091.5 (MANE Select); coding-DNA position 539, G replaced by A.
Protein change: p.Gly180Glu; replaces glycine 180 with glutamic acid.
Molecular consequence: missense variant.
Genome position (GRCh38, 1-based): chr2:227,248,513, G>A. VCF-style: chr2-227248513-G-A. GRCh37 (hg19) VCF-style: chr2-228113229-G-A.
Other names: short protein forms G180E.
Identifiers: ClinVar variation 3585981 (VCV003585981.2).

ClinVar aggregate classification (germline): Conflicting classifications of pathogenicity. Review status: criteria provided, conflicting classifications (1 of 4 stars). 2 submissions from 2 submitters: Likely pathogenic (1); Uncertain significance (1). Last evaluated 2025-06-12.

Conditions:
Autosomal dominant Alport syndrome (ATS3A). Also called: Alport syndrome dominant type; Renal failure and sensorineural hearing loss; ALPORT SYNDROME 3A, AUTOSOMAL DOMINANT. Identifiers: Orphanet 63, Orphanet 88918, MedGen C5882663, MONDO:0007086, OMIM 104200.
Hematuria, benign familial, 2 (BFH2). Identifiers: MedGen C5830421, MONDO:0958186, OMIM 620320.
Alport syndrome 3b, autosomal recessive. Identifiers: MedGen C5882699, MONDO:0957811, OMIM 620536.

Submissions (2):

Labcorp Genetics (formerly Invitae), Labcorp
Classification: Uncertain significance. Last evaluated: 2025-06-12. Review status: criteria provided, single submitter. Criteria: Invitae Variant Classification Sherloc (09022015). Collection method: clinical testing. Allele origin: germline.
Comment: This sequence change replaces glycine, which is neutral and non-polar, with glutamic acid, which is acidic and polar, at codon 180 of the COL4A3 protein (p.Gly180Glu). This variant is not present in population databases (gnomAD no frequency). This variant has not been reported in the literature in individuals affected with COL4A3-related conditions. ClinVar contains an entry for this variant (Variation ID: 3585981). Invitae Evidence Modeling of protein sequence and biophysical properties (such as structural, functional, and spatial information, amino acid conservation, physicochemical variation, residue mobility, and thermodynamic stability) has been performed for this missense variant. However, the output from this modeling did not meet the statistical confidence thresholds required to predict the impact of this variant on COL4A3 protein function. In summary, the available evidence is currently insufficient to determine the role of this variant in disease. Therefore, it has been classified as a Variant of Uncertain Significance.

Fulgent Genetics
Classification: Likely pathogenic for Autosomal dominant Alport syndrome; Hematuria, benign familial, 2; Alport syndrome 3b, autosomal recessive. Last evaluated: 2024-05-12. Review status: criteria provided, single submitter. Criteria: ACMG Guidelines, 2015. Collection method: clinical testing. Allele origin: germline.